The following is an entry in ClinVar:

NM_025074.7(FRAS1):c.11896G>A (p.Val3966Met)

Gene: FRAS1 (Fraser extracellular matrix complex subunit 1; plus strand). Cytogenetic location: 4q21.21.
Variant type: single nucleotide variant.
Coding change: c.11896G>A on transcript NM_025074.7 (MANE Select); coding-DNA position 11896, G replaced by A.
Protein change: p.Val3966Met; replaces valine 3966 with methionine.
Molecular consequence: missense variant.
Genome position (GRCh38, 1-based): chr4:78,540,981, G>A. VCF-style: chr4-78540981-G-A. GRCh37 (hg19) VCF-style: chr4-79462135-G-A.
Other names: short protein forms V3966M.
Identifiers: ClinVar variation 786037 (VCV000786037.12), dbSNP rs192220896, ClinGen allele CA2979326.
Genomic context (GRCh38, chr4:78,540,981, plus strand): 5'-TATCCTCTGAATACCAAGGTAGAAGTGCCCAAGAGGCACCCGGACCGGGTGGAGAAGAAC[G>A]TGAATAGACACTACTGCACTGTGCGGAACGTCAACATCCTGAGTGAGCCTGAGGCGGCTT-3'
Protein context (NP_079350.5, residues 3956-3976): KRHPDRVEKN[Val3966Met]NRHYCTVRNV

ClinVar aggregate classification (germline): Likely benign. Review status: criteria provided, single submitter (1 of 4 stars). 2 submissions from 2 submitters: Likely benign (1). 1 of the submissions does not count toward it. Last evaluated 2026-01-09.

Conditions:
FRAS1-related disorder. Also called: FRAS1-related condition.

Allele frequency attached by ClinVar (database versions not stated): ExAC 0.00040; ESP Exome Variant Server 0.00124; TOPMed 0.00125; gnomAD 0.00127 and 0.00132; 1000 Genomes Project 0.00220; 1000 Genomes Project 30x 0.00265.
gnomAD v4.1: 359 of 1,613,268 alleles (0.022%); highest among the groups gnomAD compares: African/African-American, 0.44%; 1 homozygote.

Submissions (2):

Labcorp Genetics (formerly Invitae), Labcorp
Classification: Likely benign. Last evaluated: 2026-01-09. Review status: criteria provided, single submitter. Criteria: Invitae Variant Classification Sherloc (09022015). Collection method: clinical testing. Allele origin: germline.

PreventionGenetics, part of Exact Sciences
Classification: Likely benign for FRAS1-related condition. Last evaluated: 2022-05-25. Review status: no assertion criteria provided. Collection method: clinical testing. Allele origin: germline. Not counted in ClinVar's aggregate classification.
Comment: This variant is classified as likely benign based on ACMG/AMP sequence variant interpretation guidelines (Richards et al. 2015 PMID: 25741868, with internal and published modifications).